The following is an entry in ClinVar:

NM_014370.4(SRPK3):c.749-2A>G

Gene: SRPK3 (SRSF protein kinase 3; plus strand). Cytogenetic location: Xq28.
Variant type: single nucleotide variant.
Coding change: c.749-2A>G on transcript NM_014370.4 (MANE Select); the canonical splice acceptor site of the intron before coding-DNA position 749, A replaced by G.
Molecular consequence: splice acceptor variant.
Genome position (GRCh38, 1-based): chrX:153,783,224, A>G. VCF-style: chrX-153783224-A-G. GRCh37 (hg19) VCF-style: chrX-153048679-A-G.
Other names: NM_001170761.2:c.749-2A>G; c.749-2A>G (NM_001170760.2, NM_001170761.2).
Identifiers: ClinVar variation 2674590 (VCV002674590.1), dbSNP rs2148440161, ClinGen allele CA415162417.

ClinVar aggregate classification (germline): Uncertain significance (1 of 4 stars; one submission).

Conditions:
Multiminicore myopathy. Identifiers: Orphanet 598, MedGen C0270962, MONDO:0018948.

Submission:

Broad Center for Mendelian Genomics, Broad Institute of MIT and Harvard
Classification: Uncertain significance for Multiminicore myopathy. Last evaluated: 2023-12-20. Review status: criteria provided, single submitter. Criteria: ACMG Guidelines, 2015. Collection method: curation. Allele origin: germline. Study: GREGoR Consortium.
Comment: An additional variant (p.Arg34698GlufsTer49) in TTN was also detected in heterozygosity with this variant. While SRPK3 is lacking sufficient evidence for a digenic mechanism, we believe this is a possible candidate for multiminicore myopathy. Given the limited information about this mechanism, the significance of the c.749-2A>G variant is uncertain. If you have any additional information about functional evidence or other individuals with this digenic mechanism, we encourage you to reach out to us.